The following is an entry in ClinVar:

ClinVar aggregate classification (germline): Uncertain significance. Review status: criteria provided, multiple submitters, no conflicts (2 of 4 stars). 2 submissions from 2 submitters: Uncertain significance (2). Last evaluated 2022-05-06.

Conditions:
Cenani-Lenz syndactyly syndrome. Also called: SYNDACTYLY, TYPE VII; CENANI SYNDACTYLISM. Identifiers: Orphanet 3258, MedGen C1859309, MONDO:0008931, OMIM 212780.
Congenital myasthenic syndrome 17. Identifiers: Orphanet 590, MedGen C4225377, MONDO:0014578, OMIM 616304.
Sclerosteosis 2 (SOST2). Identifiers: Orphanet 3152, MedGen C3280402, MONDO:0013679, OMIM 614305.

Allele frequency attached by ClinVar (database versions not stated): gnomAD 0.00001; TOPMed 0.00001; ESP Exome Variant Server 0.00008.
gnomAD v4.1: 15 of 1,614,074 alleles (0.00093%); highest among the groups gnomAD compares: South Asian, 0.0055%; no homozygotes.

Submissions (2):

Fulgent Genetics
Classification: Uncertain significance for Cenani-Lenz syndactyly syndrome; Sclerosteosis 2; Congenital myasthenic syndrome 17. Last evaluated: 2022-05-06. Review status: criteria provided, single submitter. Criteria: ACMG Guidelines, 2015. Collection method: clinical testing. Allele origin: unknown.

Labcorp Genetics (formerly Invitae), Labcorp
Classification: Uncertain significance for Cenani-Lenz syndactyly syndrome; Sclerosteosis 2; Congenital myasthenic syndrome 17. Last evaluated: 2021-08-13. Review status: criteria provided, single submitter. Criteria: Invitae Variant Classification Sherloc (09022015). Collection method: clinical testing. Allele origin: germline.
Comment: This sequence change replaces arginine with tryptophan at codon 973 of the LRP4 protein (p.Arg973Trp). The arginine residue is highly conserved and there is a moderate physicochemical difference between arginine and tryptophan. This variant is present in population databases (rs368011278, ExAC 0.01%). This variant has not been reported in the literature in individuals affected with LRP4-related conditions. Algorithms developed to predict the effect of missense changes on protein structure and function (SIFT, PolyPhen-2, Align-GVGD) all suggest that this variant is likely to be disruptive. In summary, the available evidence is currently insufficient to determine the role of this variant in disease. Therefore, it has been classified as a Variant of Uncertain Significance.

NM_002334.4(LRP4):c.2917C>T (p.Arg973Trp)

Gene: LRP4 (LDL receptor related protein 4; minus strand). Cytogenetic location: 11p11.2.
Variant type: single nucleotide variant.
Coding change: c.2917C>T on transcript NM_002334.4 (MANE Select); coding-DNA position 2917, C replaced by T.
Protein change: p.Arg973Trp; replaces arginine 973 with tryptophan.
Molecular consequence: missense variant.
Genome position (GRCh38, 1-based): chr11:46,879,213, G>A on the plus strand (C>T on the coding strand, the complement: LRP4 is on the minus strand). VCF-style: chr11-46879213-G-A. GRCh37 (hg19) VCF-style: chr11-46900764-G-A.
Other names: short protein forms R973W.
Identifiers: ClinVar variation 1042526 (VCV001042526.7), dbSNP rs368011278, ClinGen allele CA5969756.